The following is an entry in ClinVar:

ClinVar aggregate classification (germline): Likely pathogenic (1 of 4 stars; one submission).

Conditions:
Mucolipidosis type II. Also called: ML II ALPHA/BETA; Mucolipidosis 2; ML 2; Inclusion cell disease; Leroy Disease; N-acetylglucosamine 1phosphotransferase deficiency. Identifiers: Orphanet 576, MedGen C2673377, MONDO:0009650, OMIM 252500.

Submission:

Natera, Inc.
Classification: Likely pathogenic for Mucolipidosis type II. Last evaluated: 2025-02-27. Review status: criteria provided, single submitter. Criteria: Natera Variant Classification Schema (03/2026). Collection method: clinical testing. Allele origin: germline.
Comment: The c.1480C>T variant in GNPTAB is a nonsense variant predicted to introduce a stop codon at amino acid 494. This variant is expected to result in nonsense mediated decay, truncation, or a dysfunctional protein product. This variant is rare in the general population with a frequency below the threshold expected for the associated phenotype(s). Given the available evidence, this variant is classified as Likely Pathogenic.

NM_024312.5(GNPTAB):c.1480C>T (p.Gln494Ter)

Gene: GNPTAB (N-acetylglucosamine-1-phosphate transferase subunits alpha and beta; minus strand). Cytogenetic location: 12q23.2.
Variant type: single nucleotide variant.
Coding change: c.1480C>T on transcript NM_024312.5 (MANE Select); coding-DNA position 1480, C replaced by T.
Protein change: p.Gln494Ter; replaces glutamine 494 with a stop codon.
Molecular consequence: nonsense.
Genome position (GRCh38, 1-based): chr12:101,766,223, G>A on the plus strand (C>T on the coding strand, the complement: GNPTAB is on the minus strand). VCF-style: chr12-101766223-G-A. GRCh37 (hg19) VCF-style: chr12-102160001-G-A.
Other names: short protein forms Q494*.
Identifiers: ClinVar variation 4068852 (VCV004068852.2).
Genomic context (GRCh38, chr12:101,766,223, plus strand): 5'-GCCAGGAATTCGCACATCCCTGATTACAGTAAGAGACACTGTTTATTCCTCCACCAAACT[G>A]CCAGGGCTGTCCAACTCCAATACTCCCAGTACCTCCACCTCCTGCAATATAGCGACTCCC-3'